The following is an entry in ClinVar:

ClinVar aggregate classification (germline): Uncertain significance. Review status: criteria provided, multiple submitters, no conflicts (2 of 4 stars). 2 submissions from 2 submitters: Uncertain significance (2). Last evaluated 2024-03-06.

Conditions:
Werner syndrome (WRN). Identifiers: Orphanet 902, MedGen C0043119, MONDO:0010196, OMIM 277700.

Allele frequency attached by ClinVar (database versions not stated): gnomAD exomes 0.00001 and 0.00002; ExAC 0.00003.
gnomAD v4.1: 8 of 1,614,056 alleles (0.0005%); highest among the groups gnomAD compares: South Asian, 0.0077%; 1 homozygote.

Submissions (2):

Labcorp Genetics (formerly Invitae), Labcorp
Classification: Uncertain significance for Werner syndrome. Last evaluated: 2024-03-06. Review status: criteria provided, single submitter. Criteria: Invitae Variant Classification Sherloc (09022015). Collection method: clinical testing. Allele origin: germline.
Comment: This sequence change replaces glutamic acid, which is acidic and polar, with aspartic acid, which is acidic and polar, at codon 335 of the WRN protein (p.Glu335Asp). This variant is present in population databases (rs770764781, gnomAD 0.01%). This variant has not been reported in the literature in individuals affected with WRN-related conditions. ClinVar contains an entry for this variant (Variation ID: 287069). An algorithm developed to predict the effect of missense changes on protein structure and function (PolyPhen-2) suggests that this variant¬†is likely to be tolerated. In summary, the available evidence is currently insufficient to determine the role of this variant in disease. Therefore, it has been classified as a Variant of Uncertain Significance.

Eurofins Ntd Llc (ga)
Classification: Uncertain significance. Last evaluated: 2016-03-31. Review status: criteria provided, single submitter. Criteria: EGL Classification Definitions 2015. Collection method: clinical testing. Allele origin: germline. Observed: 1 variant allele, 1 heterozygote.

NM_000553.6(WRN):c.1005A>T (p.Glu335Asp)

Gene: WRN (WRN RecQ like helicase; plus strand). Cytogenetic location: 8p12.
Variant type: single nucleotide variant.
Coding change: c.1005A>T on transcript NM_000553.6 (MANE Select); coding-DNA position 1005, A replaced by T.
Protein change: p.Glu335Asp; replaces glutamic acid 335 with aspartic acid.
Molecular consequence: missense variant.
Genome position (GRCh38, 1-based): chr8:31,081,032, A>T. VCF-style: chr8-31081032-A-T. GRCh37 (hg19) VCF-style: chr8-30938548-A-T.
Other names: short protein forms E335D.
Identifiers: ClinVar variation 287069 (VCV000287069.8), dbSNP rs770764781, ClinGen allele CA4704234.